The following is an entry in ClinVar:

NM_001267550.2(TTN):c.7999del (p.Ser2667fs)

Gene: TTN (titin; minus strand). Cytogenetic location: 2q31.2.
Variant type: Deletion.
Coding change: c.7999del on transcript NM_001267550.2 (MANE Select); coding-DNA position 7999, one base deleted (A; older notation c.7999delA).
Protein change: p.Ser2667fs; shifts the reading frame from serine 2667.
Molecular consequence: frameshift variant.
Genome position (GRCh38, 1-based): chr2:178,771,328, T deleted on the plus strand (A on the coding strand, the reverse complement: TTN is on the minus strand); the first of 2 consecutive T bases (chr2:178,771,328-178,771,329); deleting either gives the same sequence. VCF-style (leftmost placement, unchanged base first): chr2-178771327-CT-C. GRCh37 (hg19) VCF-style: chr2-179636054-CT-C.
Other names: c.7999del, p.Ser2667fs (NM_001256850.1, NM_133378.4, NM_133379.5); c.7861del, p.Ser2621fs (NM_003319.4, NM_133432.3, NM_133437.4); short protein forms S2621fs, S2667fs.
Identifiers: ClinVar variation 1994261 (VCV001994261.4), dbSNP rs2532554705, ClinGen allele CA2580065129.

ClinVar aggregate classification (germline): Likely pathogenic (1 of 4 stars; one submission).

Conditions:
Dilated cardiomyopathy 1G (CMD1G). Identifiers: Orphanet 154, MedGen C1858763, MONDO:0011400, OMIM 604145.
Autosomal recessive limb-girdle muscular dystrophy type 2J (LGMDR10). Also called: Limb-girdle muscular dystrophy, type 2J; MUSCULAR DYSTROPHY, LIMB-GIRDLE, AUTOSOMAL RECESSIVE 10. Identifiers: Orphanet 140922, MedGen C1837342, MONDO:0012127, OMIM 608807.

Submission:

Labcorp Genetics (formerly Invitae), Labcorp
Classification: Likely pathogenic for Dilated cardiomyopathy 1G; Autosomal recessive limb-girdle muscular dystrophy type 2J. Last evaluated: 2024-10-18. Review status: criteria provided, single submitter. Criteria: Invitae Variant Classification Sherloc (09022015). Collection method: clinical testing. Allele origin: germline.
Comment: This sequence change creates a premature translational stop signal (p.Ser2667Valfs*17) in the TTN gene. While this is not anticipated to result in nonsense mediated decay, it is expected to create a truncated TTN protein. This variant is not present in population databases (gnomAD no frequency). This variant has not been reported in the literature in individuals affected with TTN-related conditions. ClinVar contains an entry for this variant (Variation ID: 1994261). This variant is located in the I band of TTN (PMID: 25589632). Truncating variants in this region have been reported in individuals affected with autosomal recessive centronuclear myopathy (PMID: 23975875, internal data). Truncating variants in this region have also been identified in individuals affected with autosomal dominant dilated cardiomyopathy and/or cardio-related conditions (PMID: 27869827, 32964742, internal data). In summary, the currently available evidence indicates that the variant is pathogenic, but additional data are needed to prove that conclusively. Therefore, this variant has been classified as Likely Pathogenic.

Literature cited by the submitters: PubMed 25589632; PubMed 23975875; PubMed 27869827; PubMed 32964742.